The following is an entry in ClinVar:

ClinVar aggregate classification (germline): Likely pathogenic (1 of 4 stars; one submission).

Conditions:
Hereditary spastic paraplegia 3A (SPG3A). Also called: SPASTIC PARAPLEGIA 3, AUTOSOMAL DOMINANT; FAMILIAL SPASTIC PARAPLEGIA, AUTOSOMAL DOMINANT, 1; SPG3; STRUMPELL DISEASE; Spastic Paraplegia 3A; Spastic paraplegia 3A, autosomal dominant. Identifiers: Orphanet 100984, MedGen C2931355, MONDO:0008437, OMIM 182600.

Submission:

Labcorp Genetics (formerly Invitae), Labcorp
Classification: Likely pathogenic for Hereditary spastic paraplegia 3A. Last evaluated: 2025-06-27. Review status: criteria provided, single submitter. Criteria: Invitae Variant Classification Sherloc (09022015). Collection method: clinical testing. Allele origin: germline.
Comment: This sequence change replaces proline, which is neutral and non-polar, with leucine, which is neutral and non-polar, at codon 342 of the ATL1 protein (p.Pro342Leu). This variant is not present in population databases (gnomAD no frequency). This missense change has been observed in individual(s) with clinical features of hereditary spastic paraplegia (internal data). Invitae Evidence Modeling of protein sequence and biophysical properties (such as structural, functional, and spatial information, amino acid conservation, physicochemical variation, residue mobility, and thermodynamic stability) indicates that this missense variant is expected to disrupt ATL1 protein function with a positive predictive value of 95%. This variant disrupts the p.Pro342 amino acid residue in ATL1. Other variant(s) that disrupt this residue have been observed in individuals with ATL1-related conditions (PMID: 22552817, 23108492), which suggests that this may be a clinically significant amino acid residue. In summary, the currently available evidence indicates that the variant is pathogenic, but additional data are needed to prove that conclusively. Therefore, this variant has been classified as Likely Pathogenic.

Literature cited by the submitters: PubMed 22552817; PubMed 23108492.

NM_015915.5(ATL1):c.1025C>T (p.Pro342Leu)

Gene: ATL1 (atlastin GTPase 1; plus strand). Cytogenetic location: 14q22.1.
Variant type: single nucleotide variant.
Coding change: c.1025C>T on transcript NM_015915.5 (MANE Select); coding-DNA position 1025, C replaced by T.
Protein change: p.Pro342Leu; replaces proline 342 with leucine.
Molecular consequence: missense variant.
Genome position (GRCh38, 1-based): chr14:50,621,877, C>T. VCF-style: chr14-50621877-C-T. GRCh37 (hg19) VCF-style: chr14-51088595-C-T.
Other names: c.1025C>T, p.Pro342Leu (NM_001127713.1, NM_181598.4); short protein forms P342L.
Identifiers: ClinVar variation 4709884 (VCV004709884.1).